The following is an entry in ClinVar:

ClinVar aggregate classification (germline): Uncertain significance (1 of 4 stars; one submission).

gnomAD v4.1: 10 of 1,608,636 alleles (0.00062%); highest among the groups gnomAD compares: Admixed American, 0.017%; no homozygotes.

Submission:

Clinical Genomics Laboratory, Stanford Medicine
Classification: Uncertain significance. Last evaluated: 2023-05-09. Review status: criteria provided, single submitter. Criteria: ACMG Guidelines, 2015. Collection method: clinical testing. Allele origin: germline. Observed: 1 variant allele, 1 heterozygote.
Comment: The p.Thr73Ile variant in the CAP2 gene has not been previously reported in association with disease. This variant has been identified in 8/34,592 Latino/Admixed American chromosomes (8/251,448 chromosomes overall) by the Genome Aggregation Database. The threonine at position 73 is moderately evolutionarily conserved. Computational tools predict that the p.Thr73Ile variant does not impact protein function; however, the accuracy of in silico algorithms is limited. These data were assessed using the ACMG/AMP variant interpretation guidelines. In summary, the significance of the p.Thr73Ile variant is uncertain. Additional information is needed to resolve the significance of this variant. [ACMG evidence codes used: PM2; BP4]

NM_006366.3(CAP2):c.218C>T (p.Thr73Ile)

Gene: CAP2 (cyclase associated actin cytoskeleton regulatory protein 2; plus strand). Cytogenetic location: 6p22.3.
Variant type: single nucleotide variant.
Coding change: c.218C>T on transcript NM_006366.3 (MANE Select); coding-DNA position 218, C replaced by T.
Protein change: p.Thr73Ile; replaces threonine 73 with isoleucine.
Molecular consequence: missense variant.
Genome position (GRCh38, 1-based): chr6:17,426,686, C>T. VCF-style: chr6-17426686-C-T. GRCh37 (hg19) VCF-style: chr6-17426917-C-T.
Other names: c.218C>T, p.Thr73Ile (NM_001363533.2, NM_001363534.2); short protein forms T73I.
Identifiers: ClinVar variation 3912073 (VCV003912073.1).
Genomic context (GRCh38, chr6:17,426,686, plus strand): 5'-TGGACAGTATGGTGGCCGAGTTTTTAAAGAACAGTAGGATCCTTGCTGGGGACGTGGAGA[C>T]CCATGTAAGTACTTTCCTCCCCTGTTCTCAGTAGAGAGTTTAAACTTACCAGCCCAGCCT-3'
Protein context (NP_006357.1, residues 63-83): NSRILAGDVE[Thr73Ile]HAEMVHSAFQ